The following is an entry in ClinVar:

ClinVar aggregate classification (germline): Uncertain significance (1 of 4 stars; one submission).

Submission:

Labcorp Genetics (formerly Invitae), Labcorp
Classification: Uncertain significance. Last evaluated: 2021-08-27. Review status: criteria provided, single submitter. Criteria: Invitae Variant Classification Sherloc (09022015). Collection method: clinical testing. Allele origin: germline.
Comment: In summary, the available evidence is currently insufficient to determine the role of this variant in disease. Therefore, it has been classified as a Variant of Uncertain Significance. Algorithms developed to predict the effect of sequence changes on RNA splicing suggest that this variant may disrupt the consensus splice site. Algorithms developed to predict the effect of missense changes on protein structure and function are either unavailable or do not agree on the potential impact of this missense change (SIFT: "Tolerated"; PolyPhen-2: "Possibly Damaging"; Align-GVGD: "Class C0"). This variant has not been reported in the literature in individuals affected with LRP2-related conditions. This variant is not present in population databases (ExAC no frequency). This sequence change replaces glutamic acid with aspartic acid at codon 3390 of the LRP2 protein (p.Glu3390Asp). The glutamic acid residue is highly conserved and there is a small physicochemical difference between glutamic acid and aspartic acid.

NM_004525.3(LRP2):c.10170G>C (p.Glu3390Asp)

Gene: LRP2 (LDL receptor related protein 2; minus strand). Cytogenetic location: 2q31.1.
Variant type: single nucleotide variant.
Coding change: c.10170G>C on transcript NM_004525.3 (MANE Select); coding-DNA position 10170, G replaced by C.
Protein change: p.Glu3390Asp; replaces glutamic acid 3390 with aspartic acid.
Molecular consequence: missense variant.
Genome position (GRCh38, 1-based): chr2:169,178,026, C>G on the plus strand (G>C on the coding strand, the complement: LRP2 is on the minus strand). VCF-style: chr2-169178026-C-G. GRCh37 (hg19) VCF-style: chr2-170034536-C-G.
Other names: short protein forms E3390D.
Identifiers: ClinVar variation 1377964 (VCV001377964.6), dbSNP rs2105288966, ClinGen allele CA349149692.